The following is an entry in ClinVar:

ClinVar aggregate classification (germline): Uncertain significance (1 of 4 stars; one submission).

gnomAD v4.1: 4 of 1,614,138 alleles (0.00025%); highest among the groups gnomAD compares: East Asian, 0.0022%; no homozygotes.

Submission:

Labcorp Genetics (formerly Invitae), Labcorp
Classification: Uncertain significance. Last evaluated: 2025-05-18. Review status: criteria provided, single submitter. Criteria: Invitae Variant Classification Sherloc (09022015). Collection method: clinical testing. Allele origin: germline.
Comment: This sequence change replaces glutamic acid, which is acidic and polar, with lysine, which is basic and polar, at codon 298 of the SIAE protein (p.Glu298Lys). This variant is not present in population databases (gnomAD no frequency). This variant has not been reported in the literature in individuals affected with SIAE-related conditions. An algorithm developed to predict the effect of missense changes on protein structure and function (PolyPhen-2) suggests that this variant is likely to be tolerated. In summary, the available evidence is currently insufficient to determine the role of this variant in disease. Therefore, it has been classified as a Variant of Uncertain Significance.

NM_170601.5(SIAE):c.892G>A (p.Glu298Lys)

Gene: SIAE (sialic acid acetylesterase; minus strand). Cytogenetic location: 11q24.2.
Variant type: single nucleotide variant.
Coding change: c.892G>A on transcript NM_170601.5 (MANE Select); coding-DNA position 892, G replaced by A.
Protein change: p.Glu298Lys; replaces glutamic acid 298 with lysine.
Molecular consequence: missense variant.
Genome position (GRCh38, 1-based): chr11:124,647,439, C>T on the plus strand (G>A on the coding strand, the complement: SIAE is on the minus strand). VCF-style: chr11-124647439-C-T. GRCh37 (hg19) VCF-style: chr11-124517335-C-T.
Other names: c.787G>A, p.Glu263Lys (NM_001199922.2); short protein forms E263K, E298K.
Identifiers: ClinVar variation 4709017 (VCV004709017.1).